The following is an entry in ClinVar:

ClinVar aggregate classification (germline): Uncertain significance. Review status: criteria provided, multiple submitters, no conflicts (2 of 4 stars). 4 submissions from 4 submitters: Uncertain significance (3). 1 of the submissions does not count toward it. Last evaluated 2025-12-22.

Conditions:
Abdominal obesity-metabolic syndrome 3 (AOMS3). Also called: CENTRAL OBESITY, TYPE 2 DIABETES, HYPERTENSION, AND EARLY-ONSET CORONARY ARTERY DISEASE. Identifiers: MedGen C4014361, MONDO:0014352, OMIM 615812.
DYRK1B-related disorder. Also called: DYRK1B-related condition.
Inborn genetic diseases. Identifiers: MedGen C0950123, MeSH D030342.

Submissions (4):

Ambry Genetics
Classification: Uncertain significance for Inborn genetic diseases. Last evaluated: 2025-12-22. Review status: criteria provided, single submitter. Criteria: Ambry Variant Classification Scheme 2023. Collection method: clinical testing. Allele origin: germline.

Labcorp Genetics (formerly Invitae), Labcorp
Classification: Uncertain significance. Last evaluated: 2024-05-27. Review status: criteria provided, single submitter. Criteria: Invitae Variant Classification Sherloc (09022015). Collection method: clinical testing. Allele origin: germline.
Comment: This sequence change replaces glycine, which is neutral and non-polar, with arginine, which is basic and polar, at codon 429 of the DYRK1B protein (p.Gly429Arg). This variant is present in population databases (rs529074049, gnomAD 0.006%). This variant has not been reported in the literature in individuals affected with DYRK1B-related conditions. ClinVar contains an entry for this variant (Variation ID: 1803906). Advanced modeling of protein sequence and biophysical properties (such as structural, functional, and spatial information, amino acid conservation, physicochemical variation, residue mobility, and thermodynamic stability) performed at Invitae indicates that this missense variant is not expected to disrupt DYRK1B protein function with a negative predictive value of 80%. In summary, the available evidence is currently insufficient to determine the role of this variant in disease. Therefore, it has been classified as a Variant of Uncertain Significance.

New York Genome Center
Classification: Uncertain significance for Abdominal obesity-metabolic syndrome 3. Last evaluated: 2020-12-17. Review status: criteria provided, single submitter. Criteria: NYGC Assertion Criteria 2020. Collection method: clinical testing. Allele origin: germline. Observed: 1 heterozygote.
Comment: The heterozygous c.1285G>C (p.Gly429Arg) variant identified in DYRK1B has not been reported in affected individuals in the literature. The variant has 0.000046 allele frequency in the gnomAD(v3) database (7 out of 152,182 heterozygous alleles, no homozygotes) suggesting that it is not a common benign variant in the populations represented in this database. The variant is located within the protein kinase domain (amino acids 111-431, UniProtKB -Q9Y463). The affected residue is not well conserved. In silico tools provide conflicting interpretations about potential pathogenicity of this variant. Based on the available evidence, the p.Gly429Arg variant identified in the DYRK1B gene is reported as a variant of uncertain significance.

PreventionGenetics, part of Exact Sciences
Classification: Uncertain significance for DYRK1B-related condition. Last evaluated: 2024-08-27. Review status: no assertion criteria provided. Collection method: clinical testing. Allele origin: germline. Not counted in ClinVar's aggregate classification.
Comment: The DYRK1B c.1285G>C variant is predicted to result in the amino acid substitution p.Gly429Arg. To our knowledge, this variant has not been reported in the literature. This variant is reported in 0.0059% of alleles in individuals of African descent in gnomAD. At this time, the clinical significance of this variant is uncertain due to the absence of conclusive functional and genetic evidence.

NM_004714.3(DYRK1B):c.1285G>C (p.Gly429Arg)

Gene: DYRK1B (dual specificity tyrosine phosphorylation regulated kinase 1B; minus strand). Cytogenetic location: 19q13.2.
Variant type: single nucleotide variant.
Coding change: c.1285G>C on transcript NM_004714.3 (MANE Select); coding-DNA position 1285, G replaced by C.
Protein change: p.Gly429Arg; replaces glycine 429 with arginine.
Molecular consequence: missense variant.
Genome position (GRCh38, 1-based): chr19:39,826,798, C>G on the plus strand (G>C on the coding strand, the complement: DYRK1B is on the minus strand). VCF-style: chr19-39826798-C-G. GRCh37 (hg19) VCF-style: chr19-40317438-C-G.
Other names: c.1165G>C, p.Gly389Arg (NM_006483.3); c.1201G>C, p.Gly401Arg (NM_006484.3); c.1285G>C (NM_004714.2, NM_004714.1); short protein forms G389R, G401R, G429R.
Identifiers: ClinVar variation 1803906 (VCV001803906.7), dbSNP rs529074049, ClinGen allele CA9434100.